The following is an entry in ClinVar:

ClinVar aggregate classification (germline): Uncertain significance (1 of 4 stars; one submission).

Conditions:
Alpha thalassemia-X-linked intellectual disability syndrome (ATRX). Also called: ALPHA-THALASSEMIA/MENTAL RETARDATION SYNDROME, X-LINKED; ATR, NONDELETION TYPE; ATR-X syndrome; Alpha thalassemia mental retardation syndrome, nondeletion type, X-linked; XLMR hypotonic face syndrome; X-linked alpha-thalassemia-mental retardation syndrome. Identifiers: Orphanet 847, MedGen C1845055, MONDO:0010519, OMIM 301040.

Submission:

Labcorp Genetics (formerly Invitae), Labcorp
Classification: Uncertain significance for Alpha thalassemia-X-linked intellectual disability syndrome. Last evaluated: 2024-04-20. Review status: criteria provided, single submitter. Criteria: Invitae Variant Classification Sherloc (09022015). Collection method: clinical testing. Allele origin: germline.
Comment: This sequence change replaces threonine, which is neutral and polar, with asparagine, which is neutral and polar, at codon 591 of the ATRX protein (p.Thr591Asn). This variant is not present in population databases (gnomAD no frequency). This variant has not been reported in the literature in individuals affected with ATRX-related conditions. Advanced modeling of protein sequence and biophysical properties (such as structural, functional, and spatial information, amino acid conservation, physicochemical variation, residue mobility, and thermodynamic stability) performed at Invitae indicates that this missense variant is not expected to disrupt ATRX protein function with a negative predictive value of 95%. In summary, the available evidence is currently insufficient to determine the role of this variant in disease. Therefore, it has been classified as a Variant of Uncertain Significance.

NM_000489.6(ATRX):c.1772C>A (p.Thr591Asn)

Gene: ATRX (ATRX chromatin remodeler; minus strand). Cytogenetic location: Xq21.1.
Variant type: single nucleotide variant.
Coding change: c.1772C>A on transcript NM_000489.6 (MANE Select); coding-DNA position 1772, C replaced by A.
Protein change: p.Thr591Asn; replaces threonine 591 with asparagine.
Molecular consequence: missense variant.
Genome position (GRCh38, 1-based): chrX:77,683,484, G>T on the plus strand (C>A on the coding strand, the complement: ATRX is on the minus strand). VCF-style: chrX-77683484-G-T. GRCh37 (hg19) VCF-style: chrX-76938976-G-T.
Other names: c.1658C>A, p.Thr553Asn (NM_138270.5); short protein forms T591N, T553N.
Identifiers: ClinVar variation 3634996 (VCV003634996.2).